The following is an entry in ClinVar:

NM_206933.4(USH2A):c.15041C>A (p.Ser5014Tyr)

Gene: USH2A (usherin; minus strand). Cytogenetic location: 1q41.
Variant type: single nucleotide variant.
Coding change: c.15041C>A on transcript NM_206933.4 (MANE Select); coding-DNA position 15041, C replaced by A.
Protein change: p.Ser5014Tyr; replaces serine 5014 with tyrosine.
Molecular consequence: missense variant.
Genome position (GRCh38, 1-based): chr1:215,639,166, G>T on the plus strand (C>A on the coding strand, the complement: USH2A is on the minus strand). VCF-style: chr1-215639166-G-T. GRCh37 (hg19) VCF-style: chr1-215812508-G-T.
Other names: short protein forms S5014Y.
Identifiers: ClinVar variation 1439798 (VCV001439798.6), dbSNP rs1656595783, ClinGen allele CA344826290.

ClinVar aggregate classification (germline): Uncertain significance (1 of 4 stars; one submission).

Allele frequency attached by ClinVar (database versions not stated): gnomAD exomes below 0.00001.
gnomAD v4.1: 2 of 1,614,084 alleles (0.00012%); highest among the groups gnomAD compares: Non-Finnish European, 0.00017%; no homozygotes.

Submission:

Labcorp Genetics (formerly Invitae), Labcorp
Classification: Uncertain significance. Last evaluated: 2023-11-27. Review status: criteria provided, single submitter. Criteria: Invitae Variant Classification Sherloc (09022015). Collection method: clinical testing. Allele origin: germline.
Comment: This sequence change replaces serine, which is neutral and polar, with tyrosine, which is neutral and polar, at codon 5014 of the USH2A protein (p.Ser5014Tyr). This variant is not present in population databases (gnomAD no frequency). This variant has not been reported in the literature in individuals affected with USH2A-related conditions. ClinVar contains an entry for this variant (Variation ID: 1439798). Advanced modeling of protein sequence and biophysical properties (such as structural, functional, and spatial information, amino acid conservation, physicochemical variation, residue mobility, and thermodynamic stability) performed at Invitae indicates that this missense variant is not expected to disrupt USH2A protein function with a negative predictive value of 95%. In summary, the available evidence is currently insufficient to determine the role of this variant in disease. Therefore, it has been classified as a Variant of Uncertain Significance.